The following is an entry in ClinVar:

ClinVar aggregate classification (germline): Uncertain significance (1 of 4 stars; one submission).

Conditions:
Charcot-Marie-Tooth disease type 2. Also called: Charcot-Marie-Tooth type 2. Identifiers: Orphanet 64746, MedGen C0270914, MONDO:0018993.

Submission:

Labcorp Genetics (formerly Invitae), Labcorp
Classification: Uncertain significance for Charcot-Marie-Tooth disease type 2. Last evaluated: 2017-11-14. Review status: criteria provided, single submitter. Criteria: Invitae Variant Classification Sherloc (09022015). Collection method: clinical testing. Allele origin: germline.
Comment: A gross duplication of the genomic region encompassing the full coding sequence of the LMNA gene has been identified. The boundaries of this event are unknown as the duplication extends beyond the assayed region for this gene and therefore may encompass additional genes. As the precise location of this duplication is unknown, it may be in tandem or it may be located elsewhere in the genome. This variant has not been reported in the literature in individuals with LMNA-related disease. In summary, the available evidence is currently insufficient to determine the role of this variant in disease. Therefore, it has been classified as a Variant of Uncertain Significance.

NC_000001.10:g.(?_156084690)_(156109650_?)dup

Genes: LMNA (lamin A/C; plus strand), LOC120893162 (Sharpr-MPRA regulatory region 4592; plus strand), LOC126805877 (MED14-independent group 3 enhancer GRCh37_chr1:156099693-156100892; plus strand), LOC129931597 (ATAC-STARR-seq lymphoblastoid silent region 1421; plus strand), LOC129931598 (ATAC-STARR-seq lymphoblastoid active region 1843; plus strand) and 2 more. Cytogenetic location: 1q22.
Variant type: Duplication.
Identifiers: ClinVar variation 543304 (VCV000543304.1).